The following is an entry in ClinVar:

ClinVar aggregate classification (germline): Uncertain significance (1 of 4 stars; one submission).

gnomAD v4.1: 1 of 1,612,290 alleles (0.000062%); highest among the groups gnomAD compares: Non-Finnish European, 0.000085%; no homozygotes.

Submission:

GeneDx
Classification: Uncertain significance. Last evaluated: 2025-04-08. Review status: criteria provided, single submitter. Criteria: GeneDx Variant Classification Process June 2021. Collection method: clinical testing. Allele origin: germline. Affected: yes.
Comment: Not observed at significant frequency in large population cohorts (gnomAD); In silico analysis supports that this missense variant has a deleterious effect on protein structure/function; Has not been previously published as pathogenic or benign to our knowledge

NM_000168.6(GLI3):c.338C>G (p.Pro113Arg)

Gene: GLI3 (GLI family zinc finger 3; minus strand). Cytogenetic location: 7p14.1.
Variant type: single nucleotide variant.
Coding change: c.338C>G on transcript NM_000168.6 (MANE Select); coding-DNA position 338, C replaced by G.
Protein change: p.Pro113Arg; replaces proline 113 with arginine.
Molecular consequence: missense variant.
Genome position (GRCh38, 1-based): chr7:42,148,255, G>C on the plus strand (C>G on the coding strand, the complement: GLI3 is on the minus strand). VCF-style: chr7-42148255-G-C. GRCh37 (hg19) VCF-style: chr7-42187854-G-C.
Other names: short protein forms P113R.
Identifiers: ClinVar variation 4281971 (VCV004281971.1).
Genomic context (GRCh38, chr7:42,148,255, plus strand): 5'-TGAACAAGTGCCGACTGGCATGGGCACTTACGGTAGTGGGGCTCCATGTAACCATTCCTG[G>C]GGTCCATGGCAAACACCGTCCCGCGGTACGGCACAGAGGGCTCCGCCACGTGTGGCAGGG-3'
Protein context (NP_000159.3, residues 103-123): PYRGTVFAMD[Pro113Arg]RNGYMEPHYH